The following is an entry in ClinVar:

NM_182760.4(SUMF1):c.266del (p.His88_Ser89insTer)

Genes: SUMF1 (sulfatase modifying factor 1; minus strand), LOC129936056 (ATAC-STARR-seq lymphoblastoid silent region 14016; plus strand). Cytogenetic location: 3p26.1.
Variant type: Deletion.
Coding change: c.266del on transcript NM_182760.4 (MANE Select); coding-DNA position 266, one base deleted (C; older notation c.266delC).
Protein change: p.His88_Ser89insTer.
Molecular consequence: nonsense.
Genome position (GRCh38, 1-based): chr3:4,466,980, G deleted on the plus strand (C on the coding strand, the reverse complement: SUMF1 is on the minus strand). VCF-style (leftmost placement, unchanged base first): chr3-4466979-TG-T. GRCh37 (hg19) VCF-style: chr3-4508663-TG-T.
Other names: c.266del, p.His88_Ser89insTer (NM_001164674.2, NM_001164675.2).
Identifiers: ClinVar variation 1069955 (VCV001069955.5), dbSNP rs2079966666, ClinGen allele CA1044557242.

ClinVar aggregate classification (germline): Pathogenic (1 of 4 stars; one submission).

Conditions:
Multiple sulfatase deficiency (MSD). Also called: Multiple Sulfatase Deficiency Disease; Sulfatidosis, Juvenile, Austin Type; Mucosulfatidosis. Identifiers: Orphanet 585, MedGen C0268263, MONDO:0010088, OMIM 272200.

Allele frequency attached by ClinVar (database versions not stated): TOPMed below 0.00001; gnomAD 0.00001.

Submission:

Labcorp Genetics (formerly Invitae), Labcorp
Classification: Pathogenic for Multiple sulfatase deficiency. Last evaluated: 2023-06-09. Review status: criteria provided, single submitter. Criteria: Invitae Variant Classification Sherloc (09022015). Collection method: clinical testing. Allele origin: germline.
Comment: For these reasons, this variant has been classified as Pathogenic. ClinVar contains an entry for this variant (Variation ID: 1069955). This variant has not been reported in the literature in individuals affected with SUMF1-related conditions. This variant is not present in population databases (gnomAD no frequency). This sequence change creates a premature translational stop signal (p.Ser89*) in the SUMF1 gene. It is expected to result in an absent or disrupted protein product. Loss-of-function variants in SUMF1 are known to be pathogenic (PMID: 12757705, 12757706, 25885655).

Literature cited by the submitters: PubMed 12757705; PubMed 12757706; PubMed 25885655.